The following is an entry in ClinVar:

ClinVar aggregate classification (germline): Uncertain significance (1 of 4 stars; one submission).

Conditions:
Familial focal epilepsy with variable foci (FPEVF). Identifiers: Orphanet 98820, MedGen C1858477, MONDO:0020310.

Submission:

Labcorp Genetics (formerly Invitae), Labcorp
Classification: Uncertain significance for Familial focal epilepsy with variable foci. Last evaluated: 2021-09-15. Review status: criteria provided, single submitter. Criteria: Invitae Variant Classification Sherloc (09022015). Collection method: clinical testing. Allele origin: germline.
Comment: In summary, the available evidence is currently insufficient to determine the role of this variant in disease. Therefore, it has been classified as a Variant of Uncertain Significance. Algorithms developed to predict the effect of missense changes on protein structure and function are either unavailable or do not agree on the potential impact of this missense change (SIFT: "Tolerated"; PolyPhen-2: "Not Available"; Align-GVGD: "Class C0"). This variant has not been reported in the literature in individuals affected with DEPDC5-related conditions. This variant is not present in population databases (ExAC no frequency). This sequence change replaces alanine with valine at codon 884 of the DEPDC5 protein (p.Ala884Val). The alanine residue is highly conserved and there is a small physicochemical difference between alanine and valine.

NM_001242896.3(DEPDC5):c.2651C>T (p.Ala884Val)

Gene: DEPDC5 (DEP domain containing 5, GATOR1 subcomplex subunit; plus strand). Cytogenetic location: 22q12.3.
Variant type: single nucleotide variant.
Coding change: c.2651C>T on transcript NM_001242896.3 (MANE Select); coding-DNA position 2651, C replaced by T.
Protein change: p.Ala884Val; replaces alanine 884 with valine.
Molecular consequence: missense variant. On other transcripts: non-coding transcript variant (5).
Genome position (GRCh38, 1-based): chr22:31,843,662, C>T. VCF-style: chr22-31843662-C-T. GRCh37 (hg19) VCF-style: chr22-32239648-C-T.
Other names: c.2624C>T, p.Ala875Val (NM_001136029.4, NM_001369903.1, NM_014662.6); c.2417C>T, p.Ala806Val (NM_001242897.2, NM_001363854.2, NM_001364319.2); c.2651C>T, p.Ala884Val (NM_001363852.2, NM_001364318.2, NM_001364320.2); c.2567C>T, p.Ala856Val (NM_001369901.1, NM_001369902.1); short protein forms A884V, A806V, A856V, A875V.
Identifiers: ClinVar variation 1468229 (VCV001468229.6), dbSNP rs2149008615, ClinGen allele CA411289624.